The following is an entry in ClinVar:

ClinVar aggregate classification (germline): Uncertain significance (0 of 4 stars; one submission).

Conditions:
Basal ganglia calcification, idiopathic, childhood-onset (PFBC1B). Also called: IBGC childhood onset; Bilateral striopallidodentate calcinosis childhood-onset; Cerebral calcification nonarteriosclerotic idiopathic childhood-onset. Identifiers: Orphanet 51, MedGen C1861967, MONDO:0007247, OMIM 114100.

Submission:

Human Molecular Genetics Lab, National Institute for Biotechnology and Genetic Engineering College
Classification: Uncertain significance for Basal ganglia calcification, idiopathic, childhood-onset. Last evaluated: 2025-11-29. Review status: no assertion criteria provided. Collection method: research. Allele origin: germline. Inheritance: Autosomal recessive inheritance. Affected: yes and no. Observed: 4 variant alleles, 2 heterozygotes, 2 homozygotes.
Comment: This sequence change (p.Gly38Ser) alters the physiological role of the SLC20A2 gene which encodes for the transmembrane Sodium Potassium co-transporter [PMID: 31157644] [PMID: 22327515] [PMID: 29325620] [PMID: 36862146]. This variant is not present in population databases (gnomAD no frequency).

NM_001257180.2(SLC20A2):c.112G>A (p.Gly38Ser)

Gene: SLC20A2 (solute carrier family 20 member 2; minus strand). Cytogenetic location: 8p11.21.
Variant type: single nucleotide variant.
Coding change: c.112G>A on transcript NM_001257180.2 (MANE Select); coding-DNA position 112, G replaced by A.
Protein change: p.Gly38Ser; replaces glycine 38 with serine.
Molecular consequence: missense variant.
Genome position (GRCh38, 1-based): chr8:42,472,279, C>T on the plus strand (G>A on the coding strand, the complement: SLC20A2 is on the minus strand). VCF-style: chr8-42472279-C-T. GRCh37 (hg19) VCF-style: chr8-42329797-C-T.
Other names: c.112G>A, p.Gly38Ser (NM_001257181.2, NM_006749.5); short protein forms G38S.
Identifiers: ClinVar variation 4686586 (VCV004686586.1).
Genomic context (GRCh38, chr8:42,472,279, plus strand): 5'-CGGTGGTTTCAAATATTGAAGCTAAAATGCATGCCTGCCTCAAGGTCACCACACCAGAGC[C>T]CACGGCTGTACCAAAGGAGTTGGCAACATCGTTTGCACCAACAGAAAAGGCCAAGATGAA-3'
Protein context (NP_001244109.1, residues 28-48): DVANSFGTAV[Gly38Ser]SGVVTLRQAC